The following is an entry in ClinVar:

NM_000551.4(VHL):c.517G>T (p.Glu173Ter)

Genes: VHL (von Hippel-Lindau tumor suppressor; plus strand), LOC107303340 (3p25 von Hippel-Lindau tumor suppressor, E3 ubiquitin protein ligase Alu-mediated recombination region; plus strand). Cytogenetic location: 3p25.3.
Variant type: single nucleotide variant.
Coding change: c.517G>T on transcript NM_000551.4 (MANE Select); coding-DNA position 517, G replaced by T.
Protein change: p.Glu173Ter; replaces glutamic acid 173 with a stop codon.
Molecular consequence: nonsense. On other transcripts: 3 prime UTR variant (1).
Genome position (GRCh38, 1-based): chr3:10,149,840, G>T. VCF-style: chr3-10149840-G-T. GRCh37 (hg19) VCF-style: chr3-10191524-G-T.
Other names: c.*71G>T (NM_001354723.2); c.394G>T, p.Glu132Ter (NM_198156.3); short protein forms E132*, E173*.
Identifiers: ClinVar variation 825515 (VCV000825515.4), dbSNP rs1575932228, ClinGen allele CA351756213.

ClinVar aggregate classification (germline): Pathogenic (1 of 4 stars; one submission).

Conditions:
Hereditary cancer-predisposing syndrome. Also called: Neoplastic Syndromes, Hereditary; Tumor predisposition; Hereditary neoplastic syndrome; Hereditary Cancer Syndrome. Identifiers: Orphanet 140162, MedGen C0027672, MeSH D009386, MONDO:0015356.

Submission:

Ambry Genetics
Classification: Pathogenic for Hereditary cancer-predisposing syndrome. Last evaluated: 2019-06-13. Review status: criteria provided, single submitter. Criteria: Ambry Variant Classification Scheme 2023. Collection method: clinical testing. Allele origin: germline.
Comment: The p.E173* pathogenic mutation (also known as c.517G>T), located in coding exon 3 of the VHL gene, results from a G to T substitution at nucleotide position 517. This changes the amino acid from a glutamic acid to a stop codon within coding exon 3. This alteration was identified in an Italian von Hippel-Lindau syndrome (VHL) family; clinical features in these individuals include retinal angiomas, CNS hemangioblastomas, and renal cell carcinoma (Mandich P et al. Hum. Mutat. 1998;Suppl 1:S268-70). Of note, this alteration is also designated as 730G>T in the published literature. In addition to the clinical data presented in the literature, this alteration is expected to result in loss of function by premature protein truncation. As such, this alteration is interpreted as a disease-causing mutation.

Literature cited by the submitters: PubMed 9452106.